The following is an entry in ClinVar:

ClinVar aggregate classification (germline): Benign. Review status: criteria provided, multiple submitters, no conflicts (2 of 4 stars). 9 submissions from 7 submitters: Benign (9). Last evaluated 2026-02-04.

Conditions:
Ehlers-Danlos syndrome, arthrochalasia type. Also called: Ehlers-Danlos syndrome, arthrochalasis type; EDS VII, MUTANT PROCOLLAGEN TYPE; EDS VIIA; Ehlers-Danlos syndrome, arthrochalasia type, 1; ARTHROCHALASIS MULTIPLEX CONGENITA. Identifiers: Orphanet 1899, Orphanet 99875, Orphanet 99876, MedGen C4551623, MONDO:0007525, OMIM 130060.
Infantile cortical hyperostosis. Also called: Caffey Disease; P1PK BLOOD GROUP SYSTEM, P(2) PHENOTYPE; Hyperostosis, Cortical, Congenital. Identifiers: Orphanet 1310, MedGen C0020497, MONDO:0007244, OMIM 114000.
Osteogenesis imperfecta (OI). Identifiers: Orphanet 666, MedGen C0029434, MeSH D010013, MONDO:0019019.
Osteogenesis imperfecta type I (OI1). Also called: OI, TYPE I; OSTEOGENESIS IMPERFECTA TARDA; OSTEOGENESIS IMPERFECTA WITH BLUE SCLERAE; Osteogenesis imperfecta type 1; Lobstein's Disease; Lobstein disease. Identifiers: Orphanet 216796, Orphanet 666, MedGen C0023931, MONDO:0008146, OMIM 166200. Disease mechanism: loss of function.

Allele frequency attached by ClinVar (database versions not stated): ESP Exome Variant Server 0.12817; gnomAD 0.13425 and 0.14132; TOPMed 0.13761; gnomAD exomes 0.14867 and 0.17099; ExAC 0.17305; 1000 Genomes Project 30x 0.19082; 1000 Genomes Project 0.19888.
gnomAD v4.1: 239,021 of 1,613,782 alleles (15%); highest among the groups gnomAD compares: East Asian, 33%; 19,716 homozygotes.

Submissions (9):

Labcorp Genetics (formerly Invitae), Labcorp
Classification: Benign for Osteogenesis imperfecta type I. Last evaluated: 2026-02-04. Review status: criteria provided, single submitter. Criteria: Invitae Variant Classification Sherloc (09022015). Collection method: clinical testing. Allele origin: germline.

Blueprint Genetics
Classification: Benign. Last evaluated: 2024-11-27. Review status: criteria provided, single submitter. Criteria: ACMG Guidelines, 2015. Collection method: clinical testing. Allele origin: germline.

Illumina Laboratory Services, Illumina
Classification: Benign for Osteogenesis imperfecta. Last evaluated: 2018-01-13. Review status: criteria provided, single submitter. Criteria: ICSL Variant Classification Criteria 13 December 2019. Collection method: clinical testing. Allele origin: germline.
Comment: This variant was observed in the ICSL laboratory as part of a predisposition screen in an ostensibly healthy population. It had not been previously curated by ICSL or reported in the Human Gene Mutation Database (HGMD: prior to June 1st, 2018), and was therefore a candidate for classification through an automated scoring system. Utilizing variant allele frequency, disease prevalence and penetrance estimates, and inheritance mode, an automated score was calculated to assess if this variant is too frequent to cause the disease. Based on the score and internal cut-off values, a variant classified as benign is not then subjected to further curation. The score for this variant resulted in a classification of benign for this disease.

Illumina Laboratory Services, Illumina
Classification: Benign for Infantile cortical hyperostosis. Last evaluated: 2018-01-13. Review status: criteria provided, single submitter. Criteria: ICSL Variant Classification Criteria 13 December 2019. Collection method: clinical testing. Allele origin: germline.
Comment: the same text as in the submission from Illumina Laboratory Services, Illumina above.

Illumina Laboratory Services, Illumina
Classification: Benign for Ehlers-Danlos syndrome, arthrochalasia type. Last evaluated: 2018-01-13. Review status: criteria provided, single submitter. Criteria: ICSL Variant Classification Criteria 13 December 2019. Collection method: clinical testing. Allele origin: germline.
Comment: the same text as in the submission from Illumina Laboratory Services, Illumina above.

Eurofins Ntd Llc (ga)
Classification: Benign. Last evaluated: 2016-02-05. Review status: criteria provided, single submitter. Criteria: EGL Classification Definitions 2015. Collection method: clinical testing. Allele origin: germline. Observed: 1 variant allele, 1 heterozygote.

GeneDx
Classification: Benign. Last evaluated: 2015-04-23. Review status: criteria provided, single submitter. Criteria: GeneDx Variant Classification (06012015). Collection method: clinical testing. Allele origin: germline. Affected: yes.
Comment: This variant is considered likely benign or benign based on one or more of the following criteria: it is a conservative change, it occurs at a poorly conserved position in the protein, it is predicted to be benign by multiple in silico algorithms, and/or has population frequency not consistent with disease.

Breakthrough Genomics
Classification: Benign. Review status: criteria provided, single submitter. Criteria: ACMG Guidelines, 2015. Collection method: not provided. Allele origin: germline. Inheritance: Autosomal dominant inheritance. Affected: yes.

PreventionGenetics, part of Exact Sciences
Classification: Benign. Review status: criteria provided, single submitter. Criteria: ACMG Guidelines, 2015. Collection method: clinical testing. Allele origin: germline.

NM_000088.4(COL1A1):c.1930-14T>C

Gene: COL1A1 (collagen type I alpha 1 chain; minus strand). Cytogenetic location: 17q21.33.
Variant type: single nucleotide variant.
Coding change: c.1930-14T>C on transcript NM_000088.4 (MANE Select); 14 bases into the intron before coding-DNA position 1930, T replaced by C.
Molecular consequence: intron variant.
Genome position (GRCh38, 1-based): chr17:50,192,542, A>G on the plus strand (T>C on the coding strand, the complement: COL1A1 is on the minus strand). VCF-style: chr17-50192542-A-G. GRCh37 (hg19) VCF-style: chr17-48269903-A-G.
Identifiers: ClinVar variation 254946 (VCV000254946.20), dbSNP rs2696247, ClinGen allele CA8645004.